The following is an entry in ClinVar:

ClinVar aggregate classification (germline): Uncertain significance (1 of 4 stars; one submission).

Allele frequency attached by ClinVar (database versions not stated): gnomAD exomes below 0.00001 and 0.00001; gnomAD 0.00001; TOPMed 0.00001.
gnomAD v4.1: 9 of 1,611,900 alleles (0.00056%); highest among the groups gnomAD compares: Non-Finnish European, 0.00068%; no homozygotes.

Submission:

Labcorp Genetics (formerly Invitae), Labcorp
Classification: Uncertain significance. Last evaluated: 2021-09-21. Review status: criteria provided, single submitter. Criteria: Invitae Variant Classification Sherloc (09022015). Collection method: clinical testing. Allele origin: germline.
Comment: In summary, the available evidence is currently insufficient to determine the role of this variant in disease. Therefore, it has been classified as a Variant of Uncertain Significance. Algorithms developed to predict the effect of missense changes on protein structure and function output the following: SIFT: "Tolerated"; PolyPhen-2: "Benign"; Align-GVGD: "Class C0". The aspartic acid amino acid residue is found in multiple mammalian species, which suggests that this missense change does not adversely affect protein function. This variant has not been reported in the literature in individuals affected with CD81-related conditions. This variant is not present in population databases (ExAC no frequency). This sequence change replaces glycine with aspartic acid at codon 178 of the CD81 protein (p.Gly178Asp). The glycine residue is weakly conserved and there is a moderate physicochemical difference between glycine and aspartic acid.

NM_004356.4(CD81):c.533G>A (p.Gly178Asp)

Gene: CD81 (CD81 molecule; plus strand). Cytogenetic location: 11p15.5.
Variant type: single nucleotide variant.
Coding change: c.533G>A on transcript NM_004356.4 (MANE Select); coding-DNA position 533, G replaced by A.
Protein change: p.Gly178Asp; replaces glycine 178 with aspartic acid.
Molecular consequence: missense variant.
Genome position (GRCh38, 1-based): chr11:2,395,942, G>A. VCF-style: chr11-2395942-G-A. GRCh37 (hg19) VCF-style: chr11-2417172-G-A.
Other names: c.320G>A, p.Gly107Asp (NM_001297649.2); short protein forms G178D, G107D.
Identifiers: ClinVar variation 1380736 (VCV001380736.6), dbSNP rs1446301729, ClinGen allele CA379124876.